The following is an entry in ClinVar:

ClinVar aggregate classification (germline): Uncertain significance (1 of 4 stars; one submission).

Allele frequency attached by ClinVar (database versions not stated): gnomAD exomes below 0.00001; TOPMed below 0.00001; gnomAD 0.00001.
gnomAD v4.1: 4 of 1,596,756 alleles (0.00025%); highest among the groups gnomAD compares: African/African-American, 0.0054%; no homozygotes.

Submission:

Labcorp Genetics (formerly Invitae), Labcorp
Classification: Uncertain significance. Last evaluated: 2024-06-03. Review status: criteria provided, single submitter. Criteria: Invitae Variant Classification Sherloc (09022015). Collection method: clinical testing. Allele origin: germline.
Comment: This sequence change affects codon 569 of the TMTC3 mRNA. It is a 'silent' change, meaning that it does not change the encoded amino acid sequence of the TMTC3 protein. It affects a nucleotide within the consensus splice site. This variant is present in population databases (no rsID available, gnomAD 0.007%). This variant has not been reported in the literature in individuals affected with TMTC3-related conditions. ClinVar contains an entry for this variant (Variation ID: 1358624). Algorithms developed to predict the effect of sequence changes on RNA splicing suggest that this variant is not likely to affect RNA splicing. In summary, the available evidence is currently insufficient to determine the role of this variant in disease. Therefore, it has been classified as a Variant of Uncertain Significance.

NM_181783.4(TMTC3):c.1707A>G (p.Arg569=)

Gene: TMTC3 (transmembrane O-mannosyltransferase targeting cadherins 3; plus strand). Cytogenetic location: 12q21.32.
Variant type: single nucleotide variant.
Coding change: c.1707A>G on transcript NM_181783.4 (MANE Select); coding-DNA position 1707, A replaced by G.
Protein change: p.Arg569=; no amino-acid change (arginine 569 retained).
Molecular consequence: synonymous variant. On other transcripts: non-coding transcript variant (1).
Genome position (GRCh38, 1-based): chr12:88,192,604, A>G. VCF-style: chr12-88192604-A-G. GRCh37 (hg19) VCF-style: chr12-88586381-A-G.
Other names: c.1527A>G, p.Arg509= (NM_001366574.1); c.1488A>G, p.Arg496= (NM_001366579.1); c.1440A>G, p.Arg480= (NM_001366580.1); c.1014A>G, p.Arg338= (NM_001366583.1).
Identifiers: ClinVar variation 1358624 (VCV001358624.8), dbSNP rs1295496575, ClinGen allele CA481135635.
Genomic context (GRCh38, chr12:88,192,604, plus strand): 5'-TGTATCTACAAACTGAGATGGTAATGTTGTAAGTAAAGCTTGTGTTTGATTTTTCCACAG[A>G]GGAGAATTGCTTTTAAAAATGAATAAACCTCTTAAAGCAAAGGAAGCATATCTTAAAGCA-3'
Protein context (NP_861448.2, residues 559-579): RPDFKQAYIS[Arg569=]GELLLKMNKP